The following is an entry in ClinVar:

NM_177550.5(SLC13A5):c.714C>A (p.Asn238Lys)

Gene: SLC13A5 (solute carrier family 13 member 5; minus strand). Cytogenetic location: 17p13.1.
Variant type: single nucleotide variant.
Coding change: c.714C>A on transcript NM_177550.5 (MANE Select); coding-DNA position 714, C replaced by A.
Protein change: p.Asn238Lys; replaces asparagine 238 with lysine.
Molecular consequence: missense variant.
Genome position (GRCh38, 1-based): chr17:6,702,972, G>T on the plus strand (C>A on the coding strand, the complement: SLC13A5 is on the minus strand). VCF-style: chr17-6702972-G-T. GRCh37 (hg19) VCF-style: chr17-6606291-G-T.
Other names: c.714C>A, p.Asn238Lys (NM_001143838.3); c.663C>A, p.Asn221Lys (NM_001284509.2); c.585C>A, p.Asn195Lys (NM_001284510.2); c.714C>A (NM_177550.3); short protein forms N195K, N221K, N238K.
Identifiers: ClinVar variation 655176 (VCV000655176.7), dbSNP rs754553205, ClinGen allele CA8331639.

ClinVar aggregate classification (germline): Uncertain significance. Review status: criteria provided, multiple submitters, no conflicts (2 of 4 stars). 2 submissions from 2 submitters: Uncertain significance (2). Last evaluated 2022-03-28.

Conditions:
Inborn genetic diseases. Identifiers: MedGen C0950123, MeSH D030342.
Developmental and epileptic encephalopathy, 25 (DEE25). Also called: Epileptic encephalopathy, early infantile, 25; Developmental and epileptic encephalopathy 25, with amelogenesis imperfecta; Epileptic encephalopathy, early infantile, 25, with amelogenesis imperfecta. Identifiers: Orphanet 442835, MedGen C4014621, MONDO:0014392, OMIM 615905.

Allele frequency attached by ClinVar (database versions not stated): TOPMed 0.00002.
gnomAD v4.1: 7 of 1,613,834 alleles (0.00043%); highest among the groups gnomAD compares: Non-Finnish European, 0.00059%; no homozygotes.

Submissions (2):

Labcorp Genetics (formerly Invitae), Labcorp
Classification: Uncertain significance for Developmental and epileptic encephalopathy, 25. Last evaluated: 2022-03-28. Review status: criteria provided, single submitter. Criteria: Invitae Variant Classification Sherloc (09022015). Collection method: clinical testing. Allele origin: germline.
Comment: This sequence change replaces asparagine, which is neutral and polar, with lysine, which is basic and polar, at codon 238 of the SLC13A5 protein (p.Asn238Lys). This variant is present in population databases (rs754553205, gnomAD 0.003%). This variant has not been reported in the literature in individuals affected with SLC13A5-related conditions. ClinVar contains an entry for this variant (Variation ID: 655176). Algorithms developed to predict the effect of missense changes on protein structure and function (SIFT, PolyPhen-2, Align-GVGD) all suggest that this variant is likely to be tolerated. In summary, the available evidence is currently insufficient to determine the role of this variant in disease. Therefore, it has been classified as a Variant of Uncertain Significance.

Ambry Genetics
Classification: Uncertain significance for Inborn genetic diseases. Last evaluated: 2021-12-20. Review status: criteria provided, single submitter. Criteria: Ambry Variant Classification Scheme 2023. Collection method: clinical testing. Allele origin: germline.